The following is an entry in ClinVar:

ClinVar aggregate classification (germline): Pathogenic/Likely pathogenic. Review status: criteria provided, multiple submitters, no conflicts (2 of 4 stars). 3 submissions from 3 submitters: Pathogenic (2); Likely pathogenic (1). Last evaluated 2025-07-07.

Conditions:
Hermansky-Pudlak syndrome 3 (HPS3). Identifiers: Orphanet 231512, Orphanet 79430, MedGen C3888001, MONDO:0013555, OMIM 614072.

Submissions (3):

Myriad Genetics, Inc.
Classification: Pathogenic for Hermansky-Pudlak syndrome 3. Last evaluated: 2025-07-07. Review status: criteria provided, single submitter. Criteria: Myriad Autosomal Dominant, Autosomal Recessive and X-Linked Classification Criteria (2023). Collection method: clinical testing. Allele origin: unknown.
Comment: NM_032383.3(HPS3):c.1798C>T(Q600*) is expected to be pathogenic in the context of Hermansky-Pudlak syndrome, HPS3-related. This variant is predicted to lead to an abnormal or absent protein product due to the creation of a premature termination codon in HPS3, a gene where loss-of-function variants are known to be pathogenic. Please note: this variant was assessed in the context of healthy population screening.

Labcorp Genetics (formerly Invitae), Labcorp
Classification: Pathogenic. Last evaluated: 2022-02-08. Review status: criteria provided, single submitter. Criteria: Invitae Variant Classification Sherloc (09022015). Collection method: clinical testing. Allele origin: germline.
Comment: For these reasons, this variant has been classified as Pathogenic. ClinVar contains an entry for this variant (Variation ID: 666331). This sequence change creates a premature translational stop signal (p.Gln600*) in the HPS3 gene. It is expected to result in an absent or disrupted protein product. Loss-of-function variants in HPS3 are known to be pathogenic (PMID: 11590544). This variant is not present in population databases (gnomAD no frequency). This variant has not been reported in the literature in individuals affected with HPS3-related conditions.

Equipe Genetique des Anomalies du Developpement, Université de Bourgogne
Classification: Likely pathogenic for Hermansky-Pudlak syndrome 3. Last evaluated: 2015-01-01. Review status: criteria provided, single submitter. Criteria: ACMG Guidelines, 2007. Collection method: clinical testing. Allele origin: inherited. Affected: yes.

Literature cited by the submitters: PubMed 11590544 (cited by Labcorp Genetics (formerly Invitae), Labcorp).

NM_032383.5(HPS3):c.1798C>T (p.Gln600Ter)

Gene: HPS3 (HPS3 biogenesis of lysosomal organelles complex 2 subunit 1; plus strand). Cytogenetic location: 3q24.
Variant type: single nucleotide variant.
Coding change: c.1798C>T on transcript NM_032383.5 (MANE Select); coding-DNA position 1798, C replaced by T.
Protein change: p.Gln600Ter; replaces glutamine 600 with a stop codon.
Molecular consequence: nonsense.
Genome position (GRCh38, 1-based): chr3:149,158,772, C>T. VCF-style: chr3-149158772-C-T. GRCh37 (hg19) VCF-style: chr3-148876559-C-T.
Other names: c.1303C>T, p.Gln435Ter (NM_001308258.2); short protein forms Q600*, Q435*.
Identifiers: ClinVar variation 666331 (VCV000666331.6), dbSNP rs1576687466, ClinGen allele CA354922644.
Genomic context (GRCh38, chr3:149,158,772, plus strand): 5'-TCTGGTTTGTCTATGGCTGAAGTTCTGGCCCGCACGGACTGGACAGTAGAGGATGGATTA[C>T]AGAAATACGAGAGAGGATTAATCTTTTACATTAATCATTCACTTTATGAAAACCTGGATG-3'